The following is an entry in ClinVar:

ClinVar aggregate classification (germline): Uncertain significance (1 of 4 stars; one submission).

Conditions:
Familial adenomatous polyposis 1 (FAP1). Also called: FAMILIAL ADENOMATOUS POLYPOSIS 1, ATTENUATED; POLYPOSIS, ADENOMATOUS INTESTINAL. Identifiers: MedGen C2713442, MONDO:0021056, OMIM 175100. Disease mechanism: loss of function.

gnomAD v4.1: 1 of 1,370,600 alleles (0.000073%); highest among the groups gnomAD compares: Non-Finnish European, 0.000096%; no homozygotes.

Submission:

Labcorp Genetics (formerly Invitae), Labcorp
Classification: Uncertain significance for Familial adenomatous polyposis 1. Last evaluated: 2025-01-23. Review status: criteria provided, single submitter. Criteria: Invitae Variant Classification Sherloc (09022015). Collection method: clinical testing. Allele origin: germline.
Comment: This variant occurs in a non-coding region of the APC gene. It does not change the encoded amino acid sequence of the APC protein. This variant is not present in population databases (gnomAD no frequency). This variant has not been reported in the literature in individuals affected with APC-related conditions. Experimental studies and prediction algorithms are not available or were not evaluated, and the functional significance of this variant is currently unknown. In summary, the available evidence is currently insufficient to determine the role of this variant in disease. Therefore, it has been classified as a Variant of Uncertain Significance.

NM_001127511.3(APC):c.-1T>G

Gene: APC (APC regulator of Wnt signaling pathway; plus strand). Cytogenetic location: 5q22.2.
Variant type: single nucleotide variant.
Coding change: c.-1T>G on transcript NM_001127511.3; 1 bases upstream of the start codon, T replaced by G.
Molecular consequence: 5 prime UTR variant. On other transcripts: non-coding transcript variant (1), intron variant (5).
Genome position (GRCh38, 1-based): chr5:112,707,717, T>G. VCF-style: chr5-112707717-T-G. GRCh37 (hg19) VCF-style: chr5-112043414-T-G.
Other names: c.-184T>G (NM_001354895.2, NM_001407447.1, NM_001407452.1 and 3 more transcripts); c.-1T>G (NM_001354897.2, NM_001354902.2, NM_001407446.1); c.-1219T>G (NM_001407470.1, NM_001407472.1); c.-19+68T>G (NM_001407448.1, NM_001407450.1, NM_001407457.1 and 1 more transcripts); c.-43+68T>G (NM_001407453.1).
Identifiers: ClinVar variation 1046732 (VCV001046732.7), dbSNP rs1750600817, ClinGen allele CA1573442671.
Genomic context (GRCh38, chr5:112,707,717, plus strand): 5'-TGTTGGCTGTTGGTGAGGAAGGTGAAGCACTCAGTTGCCTTCTCGGGCCTCGGCGCCCCC[T>G]ATGTACGCCTCCCTGGGCTCGGGTCCGGTCGCCCCTTTGCCCGCTTCTGTACCACCCTCA-3'